The following is an entry in ClinVar:

NM_017617.5(NOTCH1):c.1510C>G (p.Arg504Gly)

Gene: NOTCH1 (notch receptor 1; minus strand). Cytogenetic location: 9q34.3.
Variant type: single nucleotide variant.
Coding change: c.1510C>G on transcript NM_017617.5 (MANE Select); coding-DNA position 1510, C replaced by G.
Protein change: p.Arg504Gly; replaces arginine 504 with glycine.
Molecular consequence: missense variant.
Genome position (GRCh38, 1-based): chr9:136,517,317, G>C on the plus strand (C>G on the coding strand, the complement: NOTCH1 is on the minus strand). VCF-style: chr9-136517317-G-C. GRCh37 (hg19) VCF-style: chr9-139411769-G-C.
Other names: short protein forms R504G.
Identifiers: ClinVar variation 2572710 (VCV002572710.2), dbSNP rs752071569, ClinGen allele CA375562280.

ClinVar aggregate classification (germline): Uncertain significance (1 of 4 stars; one submission).

Submission:

GeneDx
Classification: Uncertain significance. Last evaluated: 2025-03-29. Review status: criteria provided, single submitter. Criteria: GeneDx Variant Classification Process June 2021. Collection method: clinical testing. Allele origin: germline. Affected: yes.
Comment: Not observed at significant frequency in large population cohorts (gnomAD); In silico analysis supports that this missense variant has a deleterious effect on protein structure/function; Has not been previously published as pathogenic or benign to our knowledge